The following is an entry in ClinVar:

NM_001297.5(CNGB1):c.1932T>G (p.Phe644Leu)

Gene: CNGB1 (cyclic nucleotide gated channel subunit beta 1; minus strand). Cytogenetic location: 16q21.
Variant type: single nucleotide variant.
Coding change: c.1932T>G on transcript NM_001297.5 (MANE Select); coding-DNA position 1932, T replaced by G.
Protein change: p.Phe644Leu; replaces phenylalanine 644 with leucine.
Molecular consequence: missense variant.
Genome position (GRCh38, 1-based): chr16:57,919,124, A>C on the plus strand (T>G on the coding strand, the complement: CNGB1 is on the minus strand). VCF-style: chr16-57919124-A-C. GRCh37 (hg19) VCF-style: chr16-57953028-A-C.
Other names: c.1914T>G, p.Phe638Leu (NM_001286130.2); short protein forms F644L, F638L.
Identifiers: ClinVar variation 1445900 (VCV001445900.6), dbSNP rs2149365829, ClinGen allele CA396065486.
Genomic context (GRCh38, chr16:57,919,124, plus strand): 5'-TTACACAGTGGGAACACCCATTCCCCAGGACTCACTGGTCAGCGGGTCAATGCTCTGGGG[A>C]AACTGGTACTTCTTCCAGGGGCGGTGTTTGAACTTGCAGCAGAGCATGTCGCAATAGTGC-3'
Protein context (NP_001288.3, residues 634-654): FKHRPWKKYQ[Phe644Leu]PQSIDPLTNL

ClinVar aggregate classification (germline): Uncertain significance (1 of 4 stars; one submission).

Submission:

Labcorp Genetics (formerly Invitae), Labcorp
Classification: Uncertain significance. Last evaluated: 2021-11-27. Review status: criteria provided, single submitter. Criteria: Invitae Variant Classification Sherloc (09022015). Collection method: clinical testing. Allele origin: germline.
Comment: This sequence change replaces phenylalanine, which is neutral and non-polar, with leucine, which is neutral and non-polar, at codon 644 of the CNGB1 protein (p.Phe644Leu). This variant is not present in population databases (gnomAD no frequency). This variant has not been reported in the literature in individuals affected with CNGB1-related conditions. Advanced modeling of protein sequence and biophysical properties (such as structural, functional, and spatial information, amino acid conservation, physicochemical variation, residue mobility, and thermodynamic stability) performed at Invitae indicates that this missense variant is not expected to disrupt CNGB1 protein function. In summary, the available evidence is currently insufficient to determine the role of this variant in disease. Therefore, it has been classified as a Variant of Uncertain Significance.